The following is an entry in ClinVar:

ClinVar aggregate classification (germline): Likely pathogenic. Review status: criteria provided, multiple submitters, no conflicts (2 of 4 stars). 2 submissions from 2 submitters: Likely pathogenic (2). Last evaluated 2025-11-08.

Conditions:
IL12RB1-related disorder. Also called: IL12RB1-related condition.

Submissions (2):

PreventionGenetics, part of Exact Sciences
Classification: Likely pathogenic for IL12RB1-related condition. Last evaluated: 2025-11-08. Review status: criteria provided, single submitter. Criteria: ACMG Guidelines, 2015. Collection method: clinical testing. Allele origin: germline.
Comment: The IL12RB1 c.556T>A variant is predicted to result in the amino acid substitution p.Cys186Ser. This variant was reported in the homozygous state in an individual with IL12RB1 deficiency (Ehlayel et al. 2008. PubMed ID: 18718650). A functional study indicated that this amino acid change is deleterious, although the exact nucleotide change was not indicated (van de Vosse et al. 2005. PMID: 16293671). Another study reported this amino acid change in two individuals with IL12RB1 deficiency, although the exact nucleotide change was not indicated (Fieschi et al. 2003. PubMed ID: 12591909). This variant has not been reported in a large population database (gnomAD), indicating this variant is rare. This variant is interpreted as likely pathogenic.

GeneDx
Classification: Likely pathogenic. Last evaluated: 2023-12-11. Review status: criteria provided, single submitter. Criteria: GeneDx Variant Classification Process June 2021. Collection method: clinical testing. Allele origin: germline. Affected: yes.
Comment: Published functional studies demonstrate that C186S mutant protein is non-functional (PMID: 16293671); In silico analysis supports that this missense variant has a deleterious effect on protein structure/function; This variant is associated with the following publications: (PMID: 12591909, 18718650, 21057261, 23864330, 16293671)

NM_005535.3(IL12RB1):c.556T>A (p.Cys186Ser)

Gene: IL12RB1 (interleukin 12 receptor subunit beta 1; minus strand). Cytogenetic location: 19p13.11.
Variant type: single nucleotide variant.
Coding change: c.556T>A on transcript NM_005535.3 (MANE Select); coding-DNA position 556, T replaced by A.
Protein change: p.Cys186Ser; replaces cysteine 186 with serine.
Molecular consequence: missense variant.
Genome position (GRCh38, 1-based): chr19:18,076,321, A>T on the plus strand (T>A on the coding strand, the complement: IL12RB1 is on the minus strand). VCF-style: chr19-18076321-A-T. GRCh37 (hg19) VCF-style: chr19-18187131-A-T.
Other names: c.556T>A, p.Cys186Ser (NM_001290023.2, NM_153701.3); c.676T>A, p.Cys226Ser (NM_001290024.2); c.556T>A (NM_005535.2); short protein forms C186S, C226S.
Identifiers: ClinVar variation 393111 (VCV000393111.4), dbSNP rs1057524791, ClinGen allele CA16608979.